The following is an entry in ClinVar:

NM_138387.4(G6PC3):c.983T>C (p.Val328Ala)

Gene: G6PC3 (glucose-6-phosphatase catalytic subunit 3; plus strand). Cytogenetic location: 17q21.31.
Variant type: single nucleotide variant.
Coding change: c.983T>C on transcript NM_138387.4 (MANE Select); coding-DNA position 983, T replaced by C.
Protein change: p.Val328Ala; replaces valine 328 with alanine.
Molecular consequence: missense variant. On other transcripts: 3 prime UTR variant (1).
Genome position (GRCh38, 1-based): chr17:44,075,985, T>C. VCF-style: chr17-44075985-T-C. GRCh37 (hg19) VCF-style: chr17-42153353-T-C.
Other names: c.*276T>C (NM_001319945.2); c.638T>C, p.Val213Ala (NM_001384165.1, NM_001384166.1, NM_001384167.1 and 1 more transcripts); short protein forms V213A, V328A.
Identifiers: ClinVar variation 3852382 (VCV003852382.1).

ClinVar aggregate classification (germline): Uncertain significance (1 of 4 stars; one submission).

Conditions:
Inborn genetic diseases. Identifiers: MedGen C0950123, MeSH D030342.

Submission:

Ambry Genetics
Classification: Uncertain significance for Inborn genetic diseases. Last evaluated: 2025-03-08. Review status: criteria provided, single submitter. Criteria: Ambry Variant Classification Scheme 2023. Collection method: clinical testing. Allele origin: germline.
Comment: The p.V328A variant (also known as c.983T>C), located in coding exon 6 of the G6PC3 gene, results from a T to C substitution at nucleotide position 983. The valine at codon 328 is replaced by alanine, an amino acid with similar properties. This amino acid position is conserved. In addition, the in silico prediction for this alteration is inconclusive. Based on the available evidence, the clinical significance of this variant remains unclear.